The following is an entry in ClinVar:

ClinVar aggregate classification (germline): Uncertain significance (1 of 4 stars; one submission).

Conditions:
Epidermodysplasia verruciformis. Identifiers: Orphanet 302, MedGen C0014522, MONDO:0009176.

Submission:

Labcorp Genetics (formerly Invitae), Labcorp
Classification: Uncertain significance for Epidermodysplasia verruciformis. Last evaluated: 2022-07-05. Review status: criteria provided, single submitter. Criteria: Invitae Variant Classification Sherloc (09022015). Collection method: clinical testing. Allele origin: germline.
Comment: In summary, the available evidence is currently insufficient to determine the role of this variant in disease. Therefore, it has been classified as a Variant of Uncertain Significance. Variants that disrupt the consensus splice site are a relatively common cause of aberrant splicing (PMID: 17576681, 9536098). Algorithms developed to predict the effect of sequence changes on RNA splicing suggest that this variant may disrupt the consensus splice site. ClinVar contains an entry for this variant (Variation ID: 569054). This variant has not been reported in the literature in individuals affected with TMC8-related conditions. This variant is not present in population databases (gnomAD no frequency). This sequence change falls in intron 5 of the TMC8 gene. It does not directly change the encoded amino acid sequence of the TMC8 protein. It affects a nucleotide within the consensus splice site.

Literature cited by the submitters: PubMed 17576681; PubMed 9536098.

NM_152468.5(TMC8):c.531+5G>A

Gene: TMC8 (transmembrane channel like 8; plus strand). Cytogenetic location: 17q25.3.
Variant type: single nucleotide variant.
Coding change: c.531+5G>A on transcript NM_152468.5 (MANE Select); 5 bases into the intron after coding-DNA position 531, G replaced by A.
Molecular consequence: intron variant.
Genome position (GRCh38, 1-based): chr17:78,132,875, G>A. VCF-style: chr17-78132875-G-A. GRCh37 (hg19) VCF-style: chr17-76128956-G-A.
Identifiers: ClinVar variation 569054 (VCV000569054.8), dbSNP rs1568015382, ClinGen allele CA891844341.